The following is an entry in ClinVar:

NM_004304.5(ALK):c.2350C>A (p.Pro784Thr)

Gene: ALK (ALK receptor tyrosine kinase; minus strand). Cytogenetic location: 2p23.2.
Variant type: single nucleotide variant.
Coding change: c.2350C>A on transcript NM_004304.5 (MANE Select); coding-DNA position 2350, C replaced by A.
Protein change: p.Pro784Thr; replaces proline 784 with threonine.
Molecular consequence: missense variant.
Genome position (GRCh38, 1-based): chr2:29,239,685, G>T on the plus strand (C>A on the coding strand, the complement: ALK is on the minus strand). VCF-style: chr2-29239685-G-T. GRCh37 (hg19) VCF-style: chr2-29462551-G-T.
Other names: short protein forms P784T.
Identifiers: ClinVar variation 938150 (VCV000938150.9), dbSNP rs1177791435, ClinGen allele CA346474182.

ClinVar aggregate classification (germline): Uncertain significance (1 of 4 stars; one submission).

Conditions:
Neuroblastoma, susceptibility to, 3. Also called: ALK-Related Neuroblastic Tumor Susceptibility. Identifiers: Orphanet 635, MedGen C2751681, MONDO:0013083, OMIM 613014.

Allele frequency attached by ClinVar (database versions not stated): gnomAD exomes below 0.00001; TOPMed below 0.00001.
gnomAD v4.1: 1 of 1,613,806 alleles (0.000062%); highest among the groups gnomAD compares: African/African-American, 0.0013%; no homozygotes.

Submission:

Labcorp Genetics (formerly Invitae), Labcorp
Classification: Uncertain significance for Neuroblastoma, susceptibility to, 3. Last evaluated: 2019-06-24. Review status: criteria provided, single submitter. Criteria: Invitae Variant Classification Sherloc (09022015). Collection method: clinical testing. Allele origin: germline.
Comment: This sequence change replaces proline with threonine at codon 784 of the ALK protein (p.Pro784Thr). The proline residue is highly conserved and there is a small physicochemical difference between proline and threonine. This variant is not present in population databases (ExAC no frequency). This variant has not been reported in the literature in individuals with ALK-related conditions. Algorithms developed to predict the effect of missense changes on protein structure and function (SIFT, PolyPhen-2, Align-GVGD) all suggest that this variant is likely to be disruptive, but these predictions have not been confirmed by published functional studies and their clinical significance is uncertain. In summary, the available evidence is currently insufficient to determine the role of this variant in disease. Therefore, it has been classified as a Variant of Uncertain Significance.